The following is an entry in ClinVar:

NM_001379110.1(SLC9A6):c.937_939delinsCTG (p.Phe313Leu)

Gene: SLC9A6 (solute carrier family 9 member A6; plus strand). Cytogenetic location: Xq26.3.
Variant type: Indel.
Coding change: c.937_939delinsCTG on transcript NM_001379110.1 (MANE Select); coding-DNA positions 937 to 939, TTC replaced by CTG.
Protein change: p.Phe313Leu; replaces phenylalanine 313 with leucine.
Molecular consequence: missense variant.
Genome position (GRCh38, 1-based): chrX:136,013,000-136,013,002, TTC replaced by CTG. VCF-style: chrX-136013000-TTC-CTG. GRCh37 (hg19) VCF-style: chrX-135095159-TTC-CTG.
Other names: c.1093_1095delinsCTG, p.Phe365Leu (NM_001042537.2); c.937_939delinsCTG, p.Phe313Leu (NM_001177651.2, NM_001400909.1, NM_001400910.1 and 2 more transcripts); c.841_843delinsCTG, p.Phe281Leu (NM_001330652.2, NM_001400913.1); c.997_999delinsCTG, p.Phe333Leu (NM_006359.3); short protein forms F281L, F313L, F333L, F365L.
Identifiers: ClinVar variation 3371731 (VCV003371731.2).

ClinVar aggregate classification (germline): Uncertain significance (1 of 4 stars; one submission).

Submission:

GeneDx
Classification: Uncertain significance. Last evaluated: 2025-05-18. Review status: criteria provided, single submitter. Criteria: GeneDx Variant Classification Process June 2021. Collection method: clinical testing. Allele origin: germline. Affected: yes.
Comment: Not observed at significant frequency in large population cohorts (gnomAD); In silico analysis supports a deleterious effect on protein structure/function; Has not been previously published as pathogenic or benign to our knowledge